The following is an entry in ClinVar:

ClinVar aggregate classification (germline): Uncertain significance (1 of 4 stars; one submission).

Conditions:
Hao-Fountain syndrome due to USP7 mutation. Also called: USP7-Related Hao Fountain Syndrome. Identifiers: Orphanet 643538, MedGen C5816734, MONDO:0958071, OMIM 616863.

Submission:

3billion
Classification: Uncertain significance for Hao-Fountain syndrome due to USP7 mutation. Last evaluated: 2025-08-05. Review status: criteria provided, single submitter. Criteria: ACMG Guidelines, 2015. Collection method: clinical testing. Allele origin: germline. Affected: yes.
Comment: The variant is not observed in the gnomAD v4.1.0 dataset. Predicted Consequence/Location: Intron variant In silico tools predict the variant to alter splicing and produce an abnormal transcript [SpliceAI: 0.49 (>=0.2, moderate evidence for spliceogenicity)]. Therefore, this variant is classified as VUS according to the recommendation of ACMG/AMP guideline.

NM_003470.3(USP7):c.2310-17C>G

Gene: USP7 (ubiquitin specific peptidase 7; minus strand). Cytogenetic location: 16p13.2.
Variant type: single nucleotide variant.
Coding change: c.2310-17C>G on transcript NM_003470.3 (MANE Select); 17 bases into the intron before coding-DNA position 2310, C replaced by G.
Molecular consequence: intron variant.
Genome position (GRCh38, 1-based): chr16:8,899,774, G>C on the plus strand (C>G on the coding strand, the complement: USP7 is on the minus strand). VCF-style: chr16-8899774-G-C. GRCh37 (hg19) VCF-style: chr16-8993631-G-C.
Other names: c.2136-17C>G (NM_001321858.2); c.2262-17C>G (NM_001286457.2); c.2013-17C>G (NM_001286458.2).
Identifiers: ClinVar variation 4855266 (VCV004855266.1).